The following is an entry in ClinVar:

ClinVar aggregate classification (germline): Uncertain significance (1 of 4 stars; one submission).

gnomAD v4.1: 13 of 1,543,810 alleles (0.00084%); highest among the groups gnomAD compares: Non-Finnish European, 0.0011%; no homozygotes.

Submission:

Labcorp Genetics (formerly Invitae), Labcorp
Classification: Uncertain significance. Last evaluated: 2025-04-19. Review status: criteria provided, single submitter. Criteria: Invitae Variant Classification Sherloc (09022015). Collection method: clinical testing. Allele origin: germline.
Comment: This sequence change replaces methionine, which is neutral and non-polar, with threonine, which is neutral and polar, at codon 2177 of the DMXL2 protein (p.Met2177Thr). This variant is present in population databases (rs140007602, gnomAD 0.002%). This variant has not been reported in the literature in individuals affected with DMXL2-related conditions. An algorithm developed to predict the effect of missense changes on protein structure and function (PolyPhen-2) suggests that this variant is likely to be tolerated. In summary, the available evidence is currently insufficient to determine the role of this variant in disease. Therefore, it has been classified as a Variant of Uncertain Significance.

NM_001378457.1(DMXL2):c.6530T>C (p.Met2177Thr)

Gene: DMXL2 (Dmx like 2; minus strand). Cytogenetic location: 15q21.2.
Variant type: single nucleotide variant.
Coding change: c.6530T>C on transcript NM_001378457.1 (MANE Select); coding-DNA position 6530, T replaced by C.
Protein change: p.Met2177Thr; replaces methionine 2177 with threonine.
Molecular consequence: missense variant. On other transcripts: non-coding transcript variant (2).
Genome position (GRCh38, 1-based): chr15:51,480,576, A>G on the plus strand (T>C on the coding strand, the complement: DMXL2 is on the minus strand). VCF-style: chr15-51480576-A-G. GRCh37 (hg19) VCF-style: chr15-51772773-A-G.
Other names: c.6530T>C, p.Met2177Thr (NM_001174116.3, NM_001378458.1, NM_001378459.1 and 4 more transcripts); c.4622T>C, p.Met1541Thr (NM_001174117.3); c.4511T>C, p.Met1504Thr (NM_001378460.1); c.6290T>C, p.Met2097Thr (NM_001378464.1); short protein forms M1541T, M2177T, M2097T, M1504T.
Identifiers: ClinVar variation 4709189 (VCV004709189.1).